The following is an entry in ClinVar:

NM_000245.4(MET):c.546C>A (p.Ala182=)

Gene: MET (MET proto-oncogene, receptor tyrosine kinase; plus strand). Cytogenetic location: 7q31.2.
Variant type: single nucleotide variant.
Coding change: c.546C>A on transcript NM_000245.4 (MANE Select); coding-DNA position 546, C replaced by A.
Protein change: p.Ala182=; no amino-acid change (alanine 182 retained).
Molecular consequence: synonymous variant. On other transcripts: intron variant (1).
Genome position (GRCh38, 1-based): chr7:116,699,630, C>A. VCF-style: chr7-116699630-C-A. GRCh37 (hg19) VCF-style: chr7-116339684-C-A.
Other names: c.546C>A, p.Ala182= (NM_001127500.3, NM_001324401.3); c.-91+27053C>A (NM_001324402.2).
Identifiers: ClinVar variation 699840 (VCV000699840.18), dbSNP rs570036369, ClinGen allele CA4448004.
Genomic context (GRCh38, chr7:116,699,630, plus strand): 5'-CTCCCCACAGATAGAAGAGCCCAGCCAGTGTCCTGACTGTGTGGTGAGCGCCCTGGGAGC[C>A]AAAGTCCTTTCATCTGTAAAGGACCGGTTCATCAACTTCTTTGTAGGCAATACCATAAAT-3'
Protein context (NP_000236.2, residues 172-192): CPDCVVSALG[Ala182=]KVLSSVKDRF

ClinVar aggregate classification (germline): Conflicting classifications of pathogenicity. Review status: criteria provided, conflicting classifications (1 of 4 stars). 4 submissions from 4 submitters: Uncertain significance (1); Benign (1); Likely benign (2). Last evaluated 2026-01-26.

Conditions:
Hereditary cancer-predisposing syndrome. Also called: Hereditary Cancer Syndrome; Neoplastic Syndromes, Hereditary; Hereditary neoplastic syndrome; Tumor predisposition. Identifiers: Orphanet 140162, MedGen C0027672, MeSH D009386, MONDO:0015356.
Papillary renal cell carcinoma type 1 (RCCP1). Also called: RENAL CELL CARCINOMA, PAPILLARY, 1, SOMATIC; Renal adenocarcinoma; Renal cell carcinoma 1; Renal cell carcinoma, somatic. Identifiers: Orphanet 47044, MedGen C1336839, OMIM 605074, HP:0011797.
Renal cell carcinoma. Identifiers: Orphanet 217071, MedGen C0007134, MeSH D002292, MONDO:0005086, HP:0005584.

Allele frequency attached by ClinVar (database versions not stated): gnomAD exomes below 0.00001 and 0.00001; gnomAD 0.00001; TOPMed 0.00001; ExAC 0.00002; 1000 Genomes Project 30x 0.00016; 1000 Genomes Project 0.00020.
gnomAD v4.1: 8 of 1,613,968 alleles (0.0005%); highest among the groups gnomAD compares: East Asian, 0.016%; no homozygotes.

Submissions (4):

Labcorp Genetics (formerly Invitae), Labcorp
Classification: Likely benign for Renal cell carcinoma. Last evaluated: 2026-01-26. Review status: criteria provided, single submitter. Criteria: Invitae Variant Classification Sherloc (09022015). Collection method: clinical testing. Allele origin: germline.

Myriad Genetics, Inc.
Classification: Benign for Papillary renal cell carcinoma type 1. Last evaluated: 2024-11-06. Review status: criteria provided, single submitter. Criteria: Myriad Autosomal Dominant, Autosomal Recessive and X-Linked Classification Criteria (2023). Collection method: clinical testing. Allele origin: unknown.
Comment: This variant is considered benign. This variant is a silent/synonymous amino acid change and it is not expected to impact splicing.

GeneDx
Classification: Uncertain significance. Last evaluated: 2024-01-17. Review status: criteria provided, single submitter. Criteria: GeneDx Variant Classification Process June 2021. Collection method: clinical testing. Allele origin: germline. Affected: yes.
Comment: Not observed at significant frequency in large population cohorts (gnomAD); In silico analysis supports that this variant does not alter splicing; Has not been previously published as pathogenic or benign to our knowledge

Ambry Genetics
Classification: Likely benign for Hereditary cancer-predisposing syndrome. Last evaluated: 2018-11-16. Review status: criteria provided, single submitter. Criteria: Ambry Variant Classification Scheme 2023. Collection method: clinical testing. Allele origin: germline.